The following is an entry in ClinVar:

ClinVar aggregate classification (germline): Uncertain significance (1 of 4 stars; one submission).

Conditions:
XPO1-associated Neurodevelopmental Disorder.

Submission:

Institute of Human Genetics, University of Leipzig Medical Center
Classification: Uncertain significance for XPO1-associated neurodevelopmental disorder. Last evaluated: 2025-12-01. Review status: criteria provided, single submitter. Criteria: ACMG Guidelines, 2015. Collection method: clinical testing. Allele origin: unknown. Inheritance: Autosomal dominant inheritance. Affected: yes.
Comment: Criteria applied: PM1_SUP,PM2,PP2,PP3

Literature cited by the submitters: PubMed 40819229.

NM_003400.4(XPO1):c.2630C>T (p.Ser877Phe)

Gene: XPO1 (exportin 1; minus strand). Cytogenetic location: 2p15.
Variant type: single nucleotide variant.
Coding change: c.2630C>T on transcript NM_003400.4 (MANE Select); coding-DNA position 2630, C replaced by T.
Protein change: p.Ser877Phe; replaces serine 877 with phenylalanine.
Molecular consequence: missense variant.
Genome position (GRCh38, 1-based): chr2:61,483,984, G>A on the plus strand (C>T on the coding strand, the complement: XPO1 is on the minus strand). VCF-style: chr2-61483984-G-A. GRCh37 (hg19) VCF-style: chr2-61711119-G-A.
Other names: c.2495C>T, p.Ser832Phe (NM_001410799.1); short protein forms S832F, S877F.
Identifiers: ClinVar variation 4533305 (VCV004533305.1).